The following is an entry in ClinVar:

NM_001164508.2(NEB):c.23288C>T (p.Ser7763Phe)

Genes: NEB (nebulin; minus strand), RIF1 (replication timing regulatory factor 1; plus strand). Cytogenetic location: 2q23.3.
Variant type: single nucleotide variant.
Coding change: c.23288C>T on transcript NM_001164508.2 (MANE Select); coding-DNA position 23288, C replaced by T.
Protein change: p.Ser7763Phe; replaces serine 7763 with phenylalanine.
Molecular consequence: missense variant.
Genome position (GRCh38, 1-based): chr2:151,512,791, G>A on the plus strand (C>T on the coding strand, the complement: NEB is on the minus strand). VCF-style: chr2-151512791-G-A. GRCh37 (hg19) VCF-style: chr2-152369305-G-A.
Other names: c.23288C>T, p.Ser7763Phe (NM_001164507.2); c.23393C>T, p.Ser7798Phe (NM_001271208.2); c.18185C>T, p.Ser6062Phe (NM_004543.5); short protein forms S6062F, S7763F, S7798F.
Identifiers: ClinVar variation 2174243 (VCV002174243.1), dbSNP rs767053656, ClinGen allele CA1906398.

ClinVar aggregate classification (germline): Uncertain significance (1 of 4 stars; one submission).

Conditions:
Nemaline myopathy 2 (NEM2). Also called: Nemaline myopathy 2, autosomal recessive. Identifiers: MedGen C1850569, MONDO:0009725, OMIM 256030.

Allele frequency attached by ClinVar (database versions not stated): TOPMed below 0.00001; ExAC 0.00001.
gnomAD v4.1: 1 of 1,613,852 alleles (0.000062%); highest among the groups gnomAD compares: Admixed American, 0.0017%; no homozygotes.

Submission:

Labcorp Genetics (formerly Invitae), Labcorp
Classification: Uncertain significance for Nemaline myopathy 2. Last evaluated: 2021-11-19. Review status: criteria provided, single submitter. Criteria: Invitae Variant Classification Sherloc (09022015). Collection method: clinical testing. Allele origin: germline.
Comment: This sequence change replaces serine, which is neutral and polar, with phenylalanine, which is neutral and non-polar, at codon 7798 of the NEB protein (p.Ser7798Phe). The frequency data for this variant in the population databases is considered unreliable, as metrics indicate poor data quality at this position in the gnomAD database. This variant has not been reported in the literature in individuals affected with NEB-related conditions. Algorithms developed to predict the effect of missense changes on protein structure and function are either unavailable or do not agree on the potential impact of this missense change (SIFT: "Deleterious"; PolyPhen-2: "Not Available"; Align-GVGD: "Class C0"). In summary, the available evidence is currently insufficient to determine the role of this variant in disease. Therefore, it has been classified as a Variant of Uncertain Significance.